The following is an entry in ClinVar:

ClinVar aggregate classification (germline): Uncertain significance (1 of 4 stars; one submission).

Conditions:
Nemaline myopathy 2 (NEM2). Also called: Nemaline myopathy 2, autosomal recessive. Identifiers: MedGen C1850569, MONDO:0009725, OMIM 256030.

gnomAD v4.1: 1 of 1,613,588 alleles (0.000062%); highest among the groups gnomAD compares: Non-Finnish European, 0.000085%; no homozygotes.

Submission:

Labcorp Genetics (formerly Invitae), Labcorp
Classification: Uncertain significance for Nemaline myopathy 2. Last evaluated: 2022-11-29. Review status: criteria provided, single submitter. Criteria: Invitae Variant Classification Sherloc (09022015). Collection method: clinical testing. Allele origin: germline.
Comment: This sequence change replaces glutamic acid, which is acidic and polar, with glycine, which is neutral and non-polar, at codon 1337 of the NEB protein (p.Glu1337Gly). This variant is not present in population databases (gnomAD no frequency). This variant has not been reported in the literature in individuals affected with NEB-related conditions. ClinVar contains an entry for this variant (Variation ID: 1462603). Algorithms developed to predict the effect of missense changes on protein structure and function are either unavailable or do not agree on the potential impact of this missense change (SIFT: "Deleterious"; PolyPhen-2: "Not Available"; Align-GVGD: "Class C0"). In summary, the available evidence is currently insufficient to determine the role of this variant in disease. Therefore, it has been classified as a Variant of Uncertain Significance.

NM_001164508.2(NEB):c.4010A>G (p.Glu1337Gly)

Gene: NEB (nebulin; minus strand). Cytogenetic location: 2q23.3.
Variant type: single nucleotide variant.
Coding change: c.4010A>G on transcript NM_001164508.2 (MANE Select); coding-DNA position 4010, A replaced by G.
Protein change: p.Glu1337Gly; replaces glutamic acid 1337 with glycine.
Molecular consequence: missense variant.
Genome position (GRCh38, 1-based): chr2:151,672,658, T>C on the plus strand (A>G on the coding strand, the complement: NEB is on the minus strand). VCF-style: chr2-151672658-T-C. GRCh37 (hg19) VCF-style: chr2-152529172-T-C.
Other names: c.4010A>G, p.Glu1337Gly (NM_001164507.2, NM_001271208.2, NM_004543.5); short protein forms E1337G.
Identifiers: ClinVar variation 1462603 (VCV001462603.8), dbSNP rs921890762, ClinGen allele CA57651282.